The following is an entry in ClinVar:

NM_004370.6(COL12A1):c.6445G>T (p.Val2149Leu)

Gene: COL12A1 (collagen type XII alpha 1 chain; minus strand). Cytogenetic location: 6q13.
Variant type: single nucleotide variant.
Coding change: c.6445G>T on transcript NM_004370.6 (MANE Select); coding-DNA position 6445, G replaced by T.
Protein change: p.Val2149Leu; replaces valine 2149 with leucine.
Molecular consequence: missense variant.
Genome position (GRCh38, 1-based): chr6:75,126,366, C>A on the plus strand (G>T on the coding strand, the complement: COL12A1 is on the minus strand). VCF-style: chr6-75126366-C-A. GRCh37 (hg19) VCF-style: chr6-75836082-C-A.
Other names: c.2953G>T, p.Val985Leu (NM_080645.3); short protein forms V2149L, V985L.
Identifiers: ClinVar variation 1387264 (VCV001387264.6), dbSNP rs1277921609, ClinGen allele CA364729999.
Genomic context (GRCh38, chr6:75,126,366, plus strand): 5'-ATAACCCTCCAAAGCATTTCTATGATGACAAAGGCACTTCCTTACCCACTGGCTTATATA[C>A]TATTTTATATCCAAGAACTGGAGAAGGTGAAGGATCCCAGGACACCCTGAATCTTGTATA-3'
Protein context (NP_004361.3, residues 2139-2159): SPSPVLGYKI[Val2149Leu]YKPVGSNEPM

ClinVar aggregate classification (germline): Uncertain significance (1 of 4 stars; one submission).

Conditions:
Ullrich congenital muscular dystrophy 2 (UCMD2). Identifiers: Orphanet 75840, MedGen C4225314, MONDO:0014654, OMIM 616470.
Bethlem myopathy 2 (BTHLM2). Identifiers: Orphanet 536516, Orphanet 610, MedGen C4225313, MONDO:0034022, OMIM 616471.

Submission:

Labcorp Genetics (formerly Invitae), Labcorp
Classification: Uncertain significance for Bethlem myopathy 2; Ullrich congenital muscular dystrophy 2. Last evaluated: 2022-06-27. Review status: criteria provided, single submitter. Criteria: Invitae Variant Classification Sherloc (09022015). Collection method: clinical testing. Allele origin: germline.
Comment: This sequence change replaces valine, which is neutral and non-polar, with leucine, which is neutral and non-polar, at codon 2149 of the COL12A1 protein (p.Val2149Leu). This variant is not present in population databases (gnomAD no frequency). This variant has not been reported in the literature in individuals affected with COL12A1-related conditions. Algorithms developed to predict the effect of missense changes on protein structure and function (SIFT, PolyPhen-2, Align-GVGD) all suggest that this variant is likely to be tolerated. In summary, the available evidence is currently insufficient to determine the role of this variant in disease. Therefore, it has been classified as a Variant of Uncertain Significance.